The following is an entry in ClinVar:

ClinVar aggregate classification (germline): Uncertain significance. Review status: criteria provided, multiple submitters, no conflicts (2 of 4 stars). 4 submissions from 4 submitters: Uncertain significance (4). Last evaluated 2024-03-08.

Conditions:
Cardiovascular phenotype. Identifiers: MedGen CN230736.
Lethal congenital glycogen storage disease of heart. Also called: GLYCOGEN STORAGE DISEASE OF HEART; PHOSPHORYLASE KINASE DEFICIENCY OF HEART. Identifiers: Orphanet 439854, MedGen C1849813, MONDO:0009867, OMIM 261740.
Hypertrophic cardiomyopathy. Also called: HYPERTROPHIC MYOCARDIOPATHY. Identifiers: Orphanet 217569, MedGen C0007194, MeSH D002312, MONDO:0005045, HP:0001639.

Allele frequency attached by ClinVar (database versions not stated): TOPMed 0.00001.
gnomAD v4.1: 2 of 1,614,030 alleles (0.00012%); highest among the groups gnomAD compares: Admixed American, 0.0017%; no homozygotes.

Submissions (4):

GeneDx
Classification: Uncertain significance. Last evaluated: 2024-03-08. Review status: criteria provided, single submitter. Criteria: GeneDx Variant Classification Process June 2021. Collection method: clinical testing. Allele origin: germline. Affected: yes.
Comment: Not observed at significant frequency in large population cohorts (gnomAD); In silico analysis supports that this missense variant does not alter protein structure/function; Has not been previously published as pathogenic or benign to our knowledge

Labcorp Genetics (formerly Invitae), Labcorp
Classification: Uncertain significance for Lethal congenital glycogen storage disease of heart. Last evaluated: 2024-02-13. Review status: criteria provided, single submitter. Criteria: Invitae Variant Classification Sherloc (09022015). Collection method: clinical testing. Allele origin: germline.
Comment: This sequence change replaces alanine, which is neutral and non-polar, with threonine, which is neutral and polar, at codon 561 of the PRKAG2 protein (p.Ala561Thr). This variant is not present in population databases (gnomAD no frequency). This variant has not been reported in the literature in individuals affected with PRKAG2-related conditions. ClinVar contains an entry for this variant (Variation ID: 518717). Algorithms developed to predict the effect of missense changes on protein structure and function output the following: SIFT: "Not Available"; PolyPhen-2: "Benign"; Align-GVGD: "Not Available". The threonine amino acid residue is found in multiple mammalian species, which suggests that this missense change does not adversely affect protein function. In summary, the available evidence is currently insufficient to determine the role of this variant in disease. Therefore, it has been classified as a Variant of Uncertain Significance.

All of Us Research Program, National Institutes of Health
Classification: Uncertain significance for Hypertrophic cardiomyopathy. Last evaluated: 2023-08-23. Review status: criteria provided, single submitter. Criteria: ACMG Guidelines, 2015. Collection method: clinical testing. Allele origin: germline. Inheritance: Autosomal dominant inheritance. Observed: 2 variant alleles, 2 heterozygotes.
Comment: This missense variant replaces alanine with threonine at codon 561 of the PRKAG2 protein. Computational prediction suggests that this variant may not impact protein structure and function (internally defined REVEL score threshold <= 0.5, PMID: 27666373). To our knowledge, functional studies have not been reported for this variant. This variant has not been reported in individuals affected with PRKAG2-related disorders in the literature. This variant has not been identified in the general population by the Genome Aggregation Database (gnomAD). The available evidence is insufficient to determine the role of this variant in disease conclusively. Therefore, this variant is classified as a Variant of Uncertain Significance.

This study involves interpretation of variants in research participants for the purpose of population health screening. Participant phenotype was not available at the time of variant classification. Additional details can be found in publication PMID: 35346344, PMCID: PMC8962531

Ambry Genetics
Classification: Uncertain significance for Cardiovascular phenotype. Last evaluated: 2017-09-21. Review status: criteria provided, single submitter. Criteria: Ambry Variant Classification Scheme 2023. Collection method: clinical testing. Allele origin: germline.
Comment: The p.A561T variant (also known as c.1681G>A), located in coding exon 16 of the PRKAG2 gene, results from a G to A substitution at nucleotide position 1681. The alanine at codon 561 is replaced by threonine, an amino acid with similar properties. This amino acid position is highly conserved in available vertebrate species. In addition, the in silico prediction for this alteration is inconclusive. Since supporting evidence is limited at this time, the clinical significance of this alteration remains unclear.

NM_016203.4(PRKAG2):c.1681G>A (p.Ala561Thr)

Gene: PRKAG2 (protein kinase AMP-activated non-catalytic subunit gamma 2; minus strand). Cytogenetic location: 7q36.1.
Variant type: single nucleotide variant.
Coding change: c.1681G>A on transcript NM_016203.4 (MANE Select); coding-DNA position 1681, G replaced by A.
Protein change: p.Ala561Thr; replaces alanine 561 with threonine.
Molecular consequence: missense variant.
Genome position (GRCh38, 1-based): chr7:151,557,230, C>T on the plus strand (G>A on the coding strand, the complement: PRKAG2 is on the minus strand). VCF-style: chr7-151557230-C-T. GRCh37 (hg19) VCF-style: chr7-151254316-C-T.
Other names: c.1549G>A, p.Ala517Thr (NM_001040633.2); c.1306G>A, p.Ala436Thr (NM_001304527.2); c.958G>A, p.Ala320Thr (NM_001304531.2, NM_024429.2); c.1309G>A, p.Ala437Thr (NM_001363698.2); short protein forms A561T, A436T, A517T, A437T, A320T.
Identifiers: ClinVar variation 518717 (VCV000518717.10), dbSNP rs61744760, ClinGen allele CA056179.